The following is an entry in ClinVar:

ClinVar aggregate classification (germline): Uncertain significance (1 of 4 stars; one submission).

Submission:

GeneDx
Classification: Uncertain significance. Last evaluated: 2026-04-14. Review status: criteria provided, single submitter. Criteria: GeneDx Variant Classification Process June 2021. Collection method: clinical testing. Allele origin: germline.
Comment: Not observed at significant frequency in large population cohorts (gnomAD); In silico analysis supports that this missense variant has a deleterious effect on protein structure/function; Has not been previously published as pathogenic or benign to our knowledge

NM_000701.8(ATP1A1):c.2496G>A (p.Met832Ile)

Genes: ATP1A1 (ATPase Na+/K+ transporting subunit alpha 1; plus strand), ATP1A1-AS1 (ATP1A1 antisense RNA 1; minus strand). Cytogenetic location: 1p13.1.
Variant type: single nucleotide variant.
Coding change: c.2496G>A on transcript NM_000701.8 (MANE Select); coding-DNA position 2496, G replaced by A.
Protein change: p.Met832Ile; replaces methionine 832 with isoleucine.
Molecular consequence: missense variant.
Genome position (GRCh38, 1-based): chr1:116,399,467, G>A. VCF-style: chr1-116399467-G-A. GRCh37 (hg19) VCF-style: chr1-116942089-G-A.
Other names: c.2496G>A, p.Met832Ile (NM_001160233.2); c.2403G>A, p.Met801Ile (NM_001160234.2); short protein forms M801I, M832I.
Identifiers: ClinVar variation 5037191 (VCV005037191.1).